The following is an entry in ClinVar:

NM_000443.4(ABCB4):c.1025T>C (p.Ile342Thr)

Gene: ABCB4 (ATP binding cassette subfamily B member 4; minus strand). Cytogenetic location: 7q21.12.
Variant type: single nucleotide variant.
Coding change: c.1025T>C on transcript NM_000443.4 (MANE Select); coding-DNA position 1025, T replaced by C.
Protein change: p.Ile342Thr; replaces isoleucine 342 with threonine.
Molecular consequence: missense variant.
Genome position (GRCh38, 1-based): chr7:87,444,956, A>G on the plus strand (T>C on the coding strand, the complement: ABCB4 is on the minus strand). VCF-style: chr7-87444956-A-G. GRCh37 (hg19) VCF-style: chr7-87074272-A-G.
Other names: c.1025T>C, p.Ile342Thr (NM_018849.3, NM_018850.3); short protein forms I342T.
Identifiers: ClinVar variation 4846500 (VCV004846500.1).

ClinVar aggregate classification (germline): Uncertain significance (1 of 4 stars; one submission).

Conditions:
Familial intrahepatic cholestasis. Identifiers: Orphanet 284385, MedGen CN296401, MONDO:0017290.
Low phospholipid associated cholelithiasis (GBD1). Also called: Gallbladder disease 1; Gallstone cholecystitis. Identifiers: Orphanet 69663, MedGen C2609268, MONDO:0010939, OMIM 600803.

gnomAD v4.1: 6 of 1,603,552 alleles (0.00037%); highest among the groups gnomAD compares: South Asian, 0.0033%; no homozygotes.

Submission:

Genomenon, Inc
Classification: Uncertain significance for Familial intrahepatic cholestasis; Low phospholipid associated cholelithiasis. Last evaluated: 2026-04-14. Review status: criteria provided, single submitter. Criteria: Genomenon Sequence Variant Interpretation Standards - Updated. Collection method: curation. Allele origin: germline. Affected: no.
Comment: ABCB4 p.Ile342Thr (c.1025T>C) is a missense variant that changes the amino acid at residue 342 from Isoleucine to Threonine. This variant has been reported in the published literature (PMID:37208429). It is absent or not present at a significant frequency in gnomAD. In conclusion, we classify ABCB4 p.Ile342Thr (c.1025T>C) as a variant of uncertain significance.

Literature cited by the submitters: PubMed 37208429.